The following is an entry in ClinVar:

ClinVar aggregate classification (germline): Uncertain significance (1 of 4 stars; one submission).

Conditions:
LAMA2-related muscular dystrophy (LAMA2-RD). Also called: Laminin alpha 2-related dystrophy. Identifiers: MedGen C5679788, MONDO:0100228.

Allele frequency attached by ClinVar (database versions not stated): TOPMed 0.00002.

Submission:

Labcorp Genetics (formerly Invitae), Labcorp
Classification: Uncertain significance for LAMA2-related muscular dystrophy. Last evaluated: 2022-02-24. Review status: criteria provided, single submitter. Criteria: Invitae Variant Classification Sherloc (09022015). Collection method: clinical testing. Allele origin: germline.
Comment: This sequence change replaces serine, which is neutral and polar, with leucine, which is neutral and non-polar, at codon 1534 of the LAMA2 protein (p.Ser1534Leu). This variant is not present in population databases (gnomAD no frequency). This variant has not been reported in the literature in individuals affected with LAMA2-related conditions. Advanced modeling of protein sequence and biophysical properties (such as structural, functional, and spatial information, amino acid conservation, physicochemical variation, residue mobility, and thermodynamic stability) performed at Invitae indicates that this missense variant is not expected to disrupt LAMA2 protein function. In summary, the available evidence is currently insufficient to determine the role of this variant in disease. Therefore, it has been classified as a Variant of Uncertain Significance.

NM_000426.4(LAMA2):c.4601C>T (p.Ser1534Leu)

Gene: LAMA2 (laminin subunit alpha 2; plus strand). Cytogenetic location: 6q22.33.
Variant type: single nucleotide variant.
Coding change: c.4601C>T on transcript NM_000426.4 (MANE Select); coding-DNA position 4601, C replaced by T.
Protein change: p.Ser1534Leu; replaces serine 1534 with leucine.
Molecular consequence: missense variant.
Genome position (GRCh38, 1-based): chr6:129,353,241, C>T. VCF-style: chr6-129353241-C-T. GRCh37 (hg19) VCF-style: chr6-129674386-C-T.
Other names: c.4601C>T, p.Ser1534Leu (NM_001079823.2); short protein forms S1534L.
Identifiers: ClinVar variation 1421636 (VCV001421636.5), dbSNP rs917205971, ClinGen allele CA146910110.